The following is an entry in ClinVar:

NM_001282490.2(GOLGA8H):c.1468C>T (p.Gln490Ter)

Genes: ARHGAP11B-DT (ARHGAP11B divergent transcript), GOLGA8H (golgin A8 family member H). Cytogenetic location: 15q13.2.
Variant type: single nucleotide variant.
Coding change: c.1468C>T on transcript NM_001282490.2 (MANE Select); coding-DNA position 1468, C replaced by T.
Protein change: p.Gln490Ter; replaces glutamine 490 with a stop codon.
Molecular consequence: nonsense.
Genome position (GRCh38, 1-based): chr15:30,613,869, C>T. VCF-style: chr15-30613869-C-T. GRCh37 (hg19) VCF-style: chr15-30906072-C-T.
Other names: short protein forms Q490*.
Identifiers: ClinVar variation 2645108 (VCV002645108.24), dbSNP rs200680656, ClinGen allele CA7449548.
Genomic context (GRCh38, chr15:30,613,869, plus strand): 5'-AGTGAGCTGGTGAAGAAAAAAGAACTCTGCTTCATCCACCACTGGCGAGACAGATGCCAT[C>T]AGTGAGTGGGAGGCCAGGGCACGGCAGGGGGAGCTACAGGGCCGTCGGAGGGGCCCCAGC-3'

ClinVar aggregate classification (germline): Likely benign (1 of 4 stars; one submission).

Allele frequency attached by ClinVar (database versions not stated): ExAC 0.00228; 1000 Genomes Project 30x 0.00250; 1000 Genomes Project 0.00260; TOPMed 0.00276; gnomAD 0.00281; gnomAD exomes 0.00473.
gnomAD v4.1: 7,334 of 1,604,634 alleles (0.46%); highest among the groups gnomAD compares: Non-Finnish European, 0.57%; 167 homozygotes.

Submission:

CeGaT Center for Human Genetics Tuebingen
Classification: Likely benign. Last evaluated: 2023-02-01. Review status: criteria provided, single submitter. Criteria: CeGaT Center For Human Genetics Tuebingen Variant Classification Criteria Version 2. Collection method: clinical testing. Allele origin: germline. Affected: yes. Observed: 1 variant allele.
Comment: GOLGA8H: BS2